The following is an entry in ClinVar:

NM_022124.6(CDH23):c.5329G>A (p.Gly1777Arg)

Gene: CDH23 (cadherin related 23; plus strand). Cytogenetic location: 10q22.1.
Variant type: single nucleotide variant.
Coding change: c.5329G>A on transcript NM_022124.6 (MANE Select); coding-DNA position 5329, G replaced by A.
Protein change: p.Gly1777Arg; replaces glycine 1777 with arginine.
Molecular consequence: missense variant.
Genome position (GRCh38, 1-based): chr10:71,779,408, G>A. VCF-style: chr10-71779408-G-A. GRCh37 (hg19) VCF-style: chr10-73539165-G-A.
Other names: short protein forms G1777R.
Identifiers: ClinVar variation 3375547 (VCV003375547.1).

ClinVar aggregate classification (germline): Uncertain significance (1 of 4 stars; one submission).

gnomAD v4.1: 8 of 1,613,090 alleles (0.0005%); highest among the groups gnomAD compares: South Asian, 0.0044%; no homozygotes.

Submission:

GeneDx
Classification: Uncertain significance. Last evaluated: 2024-05-09. Review status: criteria provided, single submitter. Criteria: GeneDx Variant Classification Process June 2021. Collection method: clinical testing. Allele origin: germline. Affected: yes.
Comment: Not observed at significant frequency in large population cohorts (gnomAD); In silico analysis supports that this missense variant has a deleterious effect on protein structure/function; Has not been previously published as pathogenic or benign to our knowledge